The following is an entry in ClinVar:

NM_001378615.1(CC2D2A):c.4126T>C (p.Phe1376Leu)

Genes: CC2D2A (coiled-coil and C2 domain containing 2A; plus strand), FBXL5 (F-box and leucine rich repeat protein 5; minus strand). Cytogenetic location: 4p15.32.
Variant type: single nucleotide variant.
Coding change: c.4126T>C on transcript NM_001378615.1 (MANE Select); coding-DNA position 4126, T replaced by C.
Protein change: p.Phe1376Leu; replaces phenylalanine 1376 with leucine.
Molecular consequence: missense variant.
Genome position (GRCh38, 1-based): chr4:15,587,876, T>C. VCF-style: chr4-15587876-T-C. GRCh37 (hg19) VCF-style: chr4-15589499-T-C.
Other names: c.4126T>C, p.Phe1376Leu (NM_001080522.2); c.3979T>C, p.Phe1327Leu (NM_001378617.1); short protein forms F1327L, F1376L.
Identifiers: ClinVar variation 2156104 (VCV002156104.4), dbSNP rs921854876, ClinGen allele CA92526504.

ClinVar aggregate classification (germline): Uncertain significance (1 of 4 stars; one submission).

Conditions:
Joubert syndrome. Also called: JOUBERT-BOLTSHAUSER SYNDROME; Familial aplasia of the vermis. Identifiers: Orphanet 475, MedGen C5979921, MONDO:0018772.
Meckel-Gruber syndrome. Also called: DYSENCEPHALIA SPLANCHNOCYSTICA; GRUBER SYNDROME; Dysencephalia splachnocystica. Identifiers: Orphanet 564, MedGen C0265215, MONDO:0018921.

Allele frequency attached by ClinVar (database versions not stated): gnomAD exomes below 0.00001; TOPMed 0.00001; gnomAD 0.00002.
gnomAD v4.1: 4 of 1,613,572 alleles (0.00025%); highest among the groups gnomAD compares: African/African-American, 0.0053%; no homozygotes.

Submission:

Labcorp Genetics (formerly Invitae), Labcorp
Classification: Uncertain significance for Joubert syndrome; Meckel-Gruber syndrome. Last evaluated: 2022-04-12. Review status: criteria provided, single submitter. Criteria: Invitae Variant Classification Sherloc (09022015). Collection method: clinical testing. Allele origin: germline.
Comment: In summary, the available evidence is currently insufficient to determine the role of this variant in disease. Therefore, it has been classified as a Variant of Uncertain Significance. Advanced modeling of protein sequence and biophysical properties (such as structural, functional, and spatial information, amino acid conservation, physicochemical variation, residue mobility, and thermodynamic stability) performed at Invitae indicates that this missense variant is expected to disrupt CC2D2A protein function. This variant has not been reported in the literature in individuals affected with CC2D2A-related conditions. This variant is not present in population databases (gnomAD no frequency). This sequence change replaces phenylalanine, which is neutral and non-polar, with leucine, which is neutral and non-polar, at codon 1376 of the CC2D2A protein (p.Phe1376Leu).